The following is an entry in ClinVar:

ClinVar aggregate classification (germline): Uncertain significance (1 of 4 stars; one submission).

Submission:

Labcorp Genetics (formerly Invitae), Labcorp
Classification: Uncertain significance. Last evaluated: 2022-11-08. Review status: criteria provided, single submitter. Criteria: Invitae Variant Classification Sherloc (09022015). Collection method: clinical testing. Allele origin: germline.
Comment: Experimental studies and prediction algorithms are not available or were not evaluated, and the functional significance of this variant is currently unknown. This variant has not been reported in the literature in individuals affected with COL18A1-related conditions. This variant is not present in population databases (gnomAD no frequency). This sequence change replaces glycine, which is neutral and non-polar, with glutamic acid, which is acidic and polar, at codon 287 of the COL18A1 protein (p.Gly287Glu). In summary, the available evidence is currently insufficient to determine the role of this variant in disease. Therefore, it has been classified as a Variant of Uncertain Significance.

NM_001379500.1(COL18A1):c.860G>A (p.Gly287Glu)

Gene: COL18A1 (collagen type XVIII alpha 1 chain; plus strand). Cytogenetic location: 21q22.3.
Variant type: single nucleotide variant.
Coding change: c.860G>A on transcript NM_001379500.1 (MANE Select); coding-DNA position 860, G replaced by A.
Protein change: p.Gly287Glu; replaces glycine 287 with glutamic acid.
Molecular consequence: missense variant.
Genome position (GRCh38, 1-based): chr21:45,476,412, G>A. VCF-style: chr21-45476412-G-A. GRCh37 (hg19) VCF-style: chr21-46896326-G-A.
Other names: c.1400G>A, p.Gly467Glu (NM_030582.4); c.2105G>A, p.Gly702Glu (NM_130444.3); short protein forms G467E, G702E, G287E.
Identifiers: ClinVar variation 1941952 (VCV001941952.5), dbSNP rs2035654708, ClinGen allele CA410514431.